The following is an entry in ClinVar:

NM_002547.3(OPHN1):c.56G>C (p.Arg19Pro)

Gene: OPHN1 (oligophrenin 1; minus strand). Cytogenetic location: Xq12.
Variant type: single nucleotide variant.
Coding change: c.56G>C on transcript NM_002547.3 (MANE Select); coding-DNA position 56, G replaced by C.
Protein change: p.Arg19Pro; replaces arginine 19 with proline.
Molecular consequence: missense variant.
Genome position (GRCh38, 1-based): chrX:68,432,965, C>G on the plus strand (G>C on the coding strand, the complement: OPHN1 is on the minus strand). VCF-style: chrX-68432965-C-G. GRCh37 (hg19) VCF-style: chrX-67652807-C-G.
Other names: short protein forms R19P.
Identifiers: ClinVar variation 2500509 (VCV002500509.1), dbSNP rs1555988278, ClinGen allele CA413435173.

ClinVar aggregate classification (germline): Uncertain significance (1 of 4 stars; one submission).

Submission:

GeneDx
Classification: Uncertain significance. Last evaluated: 2022-10-26. Review status: criteria provided, single submitter. Criteria: GeneDx Variant Classification Process June 2021. Collection method: clinical testing. Allele origin: germline. Affected: yes.
Comment: Not observed at significant frequency in large population cohorts (gnomAD); In silico analysis supports that this missense variant has a deleterious effect on protein structure/function; Has not been previously published as pathogenic or benign to our knowledge